The following is an entry in ClinVar:

ClinVar aggregate classification (germline): Pathogenic (1 of 4 stars; one submission).

Conditions:
Hereditary cancer-predisposing syndrome. Also called: Hereditary Cancer Syndrome; Tumor predisposition; Hereditary neoplastic syndrome; Neoplastic Syndromes, Hereditary. Identifiers: Orphanet 140162, MedGen C0027672, MeSH D009386, MONDO:0015356.

Submission:

Ambry Genetics
Classification: Pathogenic for Hereditary cancer-predisposing syndrome. Last evaluated: 2024-11-14. Review status: criteria provided, single submitter. Criteria: Ambry Variant Classification Scheme 2023. Collection method: clinical testing. Allele origin: germline.
Comment: The c.2328_2334delTGTGAGC pathogenic mutation, located in coding exon 17 of the MSH3 gene, results from a deletion of 7 nucleotides at nucleotide positions 2328 to 2334, causing a translational frameshift with a predicted alternate stop codon (p.V777Afs*8). This variant is considered to be rare based on population cohorts in the Genome Aggregation Database (gnomAD). This alteration is expected to result in loss of function by premature protein truncation or nonsense-mediated mRNA decay. As such, this alteration is interpreted as a disease-causing mutation.

NM_002439.5(MSH3):c.2328_2334del (p.Val777fs)

Gene: MSH3 (mutS homolog 3; plus strand). Cytogenetic location: 5q14.1.
Variant type: Deletion.
Coding change: c.2328_2334del on transcript NM_002439.5 (MANE Select); coding-DNA positions 2328 to 2334, 7 bases deleted (TGTGAGC; older notation c.2328_2334delTGTGAGC).
Protein change: p.Val777fs; shifts the reading frame from valine 777.
Molecular consequence: frameshift variant.
Genome position (GRCh38, 1-based): chr5:80,778,729-80,778,735, TGTGAGC deleted; deleting any 7 consecutive bases within chr5:80,778,726-80,778,735 gives the same sequence; the c. name uses the placement nearest the transcript's 3' end. VCF-style (leftmost placement, unchanged base first): chr5-80778725-AAGCTGTG-A. GRCh37 (hg19) VCF-style: chr5-80074544-AAGCTGTG-A.
Other names: short protein forms V777fs.
Identifiers: ClinVar variation 3398756 (VCV003398756.1).